The following is an entry in ClinVar:

ClinVar aggregate classification (germline): Uncertain significance. Review status: criteria provided, multiple submitters, no conflicts (2 of 4 stars). 2 submissions from 2 submitters: Uncertain significance (2). Last evaluated 2025-10-18.

Conditions:
Inborn genetic diseases. Identifiers: MedGen C0950123, MeSH D030342.

gnomAD v4.1: 2 of 1,551,774 alleles (0.00013%); highest among the groups gnomAD compares: African/African-American, 0.0014%; no homozygotes.

Submissions (2):

Ambry Genetics
Classification: Uncertain significance for Inborn genetic diseases. Last evaluated: 2025-10-18. Review status: criteria provided, single submitter. Criteria: Ambry Variant Classification Scheme 2023. Collection method: clinical testing. Allele origin: germline.

Labcorp Genetics (formerly Invitae), Labcorp
Classification: Uncertain significance. Last evaluated: 2022-05-19. Review status: criteria provided, single submitter. Criteria: Invitae Variant Classification Sherloc (09022015). Collection method: clinical testing. Allele origin: germline.
Comment: This sequence change replaces alanine, which is neutral and non-polar, with glycine, which is neutral and non-polar, at codon 676 of the UNC80 protein (p.Ala676Gly). This variant is not present in population databases (gnomAD no frequency). This variant has not been reported in the literature in individuals affected with UNC80-related conditions. Algorithms developed to predict the effect of missense changes on protein structure and function are either unavailable or do not agree on the potential impact of this missense change (SIFT: "Not Available"; PolyPhen-2: "Possibly Damaging"; Align-GVGD: "Not Available"). In summary, the available evidence is currently insufficient to determine the role of this variant in disease. Therefore, it has been classified as a Variant of Uncertain Significance.

NM_001371986.1(UNC80):c.2027C>G (p.Ala676Gly)

Gene: UNC80 (unc-80 subunit of NALCN channel complex; plus strand). Cytogenetic location: 2q34.
Variant type: single nucleotide variant.
Coding change: c.2027C>G on transcript NM_001371986.1 (MANE Select); coding-DNA position 2027, C replaced by G.
Protein change: p.Ala676Gly; replaces alanine 676 with glycine.
Molecular consequence: missense variant.
Genome position (GRCh38, 1-based): chr2:209,820,375, C>G. VCF-style: chr2-209820375-C-G. GRCh37 (hg19) VCF-style: chr2-210685099-C-G.
Other names: c.2027C>G, p.Ala676Gly (NM_032504.2, NM_182587.4); c.2027C>G (NM_032504.1); short protein forms A676G.
Identifiers: ClinVar variation 1996436 (VCV001996436.2), dbSNP rs768146438, ClinGen allele CA350136355.